The following is an entry in ClinVar:

NM_014813.3(LRIG2):c.2530+1G>T

Gene: LRIG2 (leucine rich repeats and immunoglobulin like domains 2; plus strand). Cytogenetic location: 1p13.2.
Variant type: single nucleotide variant.
Coding change: c.2530+1G>T on transcript NM_014813.3 (MANE Select); the canonical splice donor site of the intron after coding-DNA position 2530, G replaced by T.
Molecular consequence: splice donor variant.
Genome position (GRCh38, 1-based): chr1:113,114,877, G>T. VCF-style: chr1-113114877-G-T. GRCh37 (hg19) VCF-style: chr1-113657499-G-T.
Other names: c.2221+1G>T (NM_001312686.2).
Identifiers: ClinVar variation 4845798 (VCV004845798.1).
Genomic context (GRCh38, chr1:113,114,877, plus strand): 5'-GGGTCATTGTTATTTACCACATGAGAAGGAAAAATGAAGACTATAGTATCACAAACACAG[G>T]TAAGTAGTACCCACATGACACCTATGGCTTGTACTTCAGTCAAGAATGTAGTATAGGATT-3'

ClinVar aggregate classification (germline): Likely pathogenic (1 of 4 stars; one submission).

Conditions:
Urofacial syndrome 2 (UFS2). Also called: LRIG2-Related Urofacial Syndrome. Identifiers: Orphanet 2704, MedGen C3554520, MONDO:0014049, OMIM 615112.

gnomAD v4.1: 4 of 1,599,126 alleles (0.00025%); highest among the groups gnomAD compares: Middle Eastern, 0.033%; no homozygotes.

Submission:

First Genomix Gene Laboratory, Genetic Diagnostics Department
Classification: Likely pathogenic for Urofacial syndrome 2. Last evaluated: 2025-03-26. Review status: criteria provided, single submitter. Criteria: ACMG Guidelines, 2015. Collection method: clinical testing. Allele origin: germline. Inheritance: Autosomal recessive inheritance. Affected: no. Observed: 1 variant allele.